The following is an entry in ClinVar:

ClinVar aggregate classification (germline): Uncertain significance (1 of 4 stars; one submission).

Submission:

Labcorp Genetics (formerly Invitae), Labcorp
Classification: Uncertain significance. Last evaluated: 2022-06-14. Review status: criteria provided, single submitter. Criteria: Invitae Variant Classification Sherloc (09022015). Collection method: clinical testing. Allele origin: germline.
Comment: In summary, the available evidence is currently insufficient to determine the role of this variant in disease. Therefore, it has been classified as a Variant of Uncertain Significance. Algorithms developed to predict the effect of missense changes on protein structure and function are either unavailable or do not agree on the potential impact of this missense change (SIFT: "Deleterious"; PolyPhen-2: "Benign"; Align-GVGD: "Class C0"). This variant has not been reported in the literature in individuals affected with SBF1-related conditions. This variant is not present in population databases (gnomAD no frequency). This sequence change replaces serine, which is neutral and polar, with leucine, which is neutral and non-polar, at codon 1269 of the SBF1 protein (p.Ser1269Leu).

NM_002972.4(SBF1):c.3806C>T (p.Ser1269Leu)

Gene: SBF1 (SET binding factor 1; minus strand). Cytogenetic location: 22q13.33.
Variant type: single nucleotide variant.
Coding change: c.3806C>T on transcript NM_002972.4 (MANE Select); coding-DNA position 3806, C replaced by T.
Protein change: p.Ser1269Leu; replaces serine 1269 with leucine.
Molecular consequence: missense variant.
Genome position (GRCh38, 1-based): chr22:50,459,275, G>A on the plus strand (C>T on the coding strand, the complement: SBF1 is on the minus strand). VCF-style: chr22-50459275-G-A. GRCh37 (hg19) VCF-style: chr22-50897704-G-A.
Other names: c.3809C>T, p.Ser1270Leu (NM_001365819.1, NM_001410794.1); c.3806C>T, p.Ser1269Leu (NM_001410795.1, NM_197971.1); short protein forms S1269L, S1270L.
Identifiers: ClinVar variation 2117597 (VCV002117597.4), dbSNP rs2521900970, ClinGen allele CA412202817.
Genomic context (GRCh38, chr22:50,459,275, plus strand): 5'-AAGTGCCCCTGCCCCACCGTCTGCCCACAAGCACCCTCACCGTGACTGCCCATGTGGGCT[G>A]AGGAGAAGCCGCTAAGCGTGTTGCGTCCCGACGCGTCGGCGTAGCGGGGCATGGAGCTGA-3'
Protein context (NP_002963.2, residues 1259-1279): SGRNTLSGFS[Ser1269Leu]AHMGSHVPSP